The following is an entry in ClinVar:

NM_032444.4(SLX4):c.3061C>T (p.Arg1021Cys)

Gene: SLX4 (SLX4 structure-specific endonuclease subunit; minus strand). Cytogenetic location: 16p13.3.
Variant type: single nucleotide variant.
Coding change: c.3061C>T on transcript NM_032444.4 (MANE Select); coding-DNA position 3061, C replaced by T.
Protein change: p.Arg1021Cys; replaces arginine 1021 with cysteine.
Molecular consequence: missense variant.
Genome position (GRCh38, 1-based): chr16:3,590,577, G>A on the plus strand (C>T on the coding strand, the complement: SLX4 is on the minus strand). VCF-style: chr16-3590577-G-A. GRCh37 (hg19) VCF-style: chr16-3640578-G-A.
Other names: short protein forms R1021C.
Identifiers: ClinVar variation 840426 (VCV000840426.7), dbSNP rs138344471, ClinGen allele CA7866008.

ClinVar aggregate classification (germline): Uncertain significance. Review status: criteria provided, multiple submitters, no conflicts (2 of 4 stars). 3 submissions from 3 submitters: Uncertain significance (3). Last evaluated 2025-09-30.

Conditions:
Fanconi anemia (FA). Also called: Fanconi's anemia. Identifiers: Orphanet 84, MedGen C0015625, MeSH D005199, MONDO:0019391.
Fanconi anemia complementation group P. Also called: SLX4-Related Fanconi Anemia. Identifiers: Orphanet 84, MedGen C3469542, MONDO:0013499, OMIM 613951.

Allele frequency attached by ClinVar (database versions not stated): ExAC 0.00003; gnomAD exomes 0.00004 and 0.00007; ESP Exome Variant Server 0.00008; 1000 Genomes Project 30x 0.00016; 1000 Genomes Project 0.00020; gnomAD 0.00005 and 0.00006; TOPMed 0.00005.
gnomAD v4.1: 109 of 1,612,872 alleles (0.0068%); highest among the groups gnomAD compares: Non-Finnish European, 0.0082%; no homozygotes.

Submissions (3):

Labcorp Genetics (formerly Invitae), Labcorp
Classification: Uncertain significance for Fanconi anemia. Last evaluated: 2025-09-30. Review status: criteria provided, single submitter. Criteria: Invitae Variant Classification Sherloc (09022015). Collection method: clinical testing. Allele origin: germline.
Comment: This sequence change replaces arginine, which is basic and polar, with cysteine, which is neutral and slightly polar, at codon 1021 of the SLX4 protein (p.Arg1021Cys). This variant is present in population databases (rs138344471, gnomAD 0.007%). This variant has not been reported in the literature in individuals affected with SLX4-related conditions. ClinVar contains an entry for this variant (Variation ID: 840426). An algorithm developed to predict the effect of missense changes on protein structure and function (PolyPhen-2) suggests that this variant is likely to be disruptive. In summary, the available evidence is currently insufficient to determine the role of this variant in disease. Therefore, it has been classified as a Variant of Uncertain Significance.

GeneDx
Classification: Uncertain significance. Last evaluated: 2025-07-15. Review status: criteria provided, single submitter. Criteria: GeneDx Variant Classification Process June 2021. Collection method: clinical testing. Allele origin: germline. Affected: yes.
Comment: In silico analysis suggests that this missense variant does not alter protein structure/function; Has not been previously published as pathogenic or benign to our knowledge

Fulgent Genetics
Classification: Uncertain significance for Fanconi anemia complementation group P. Last evaluated: 2024-01-10. Review status: criteria provided, single submitter. Criteria: ACMG Guidelines, 2015. Collection method: clinical testing. Allele origin: germline.